The following is an entry in ClinVar:

NM_020631.6(PLEKHG5):c.2T>C (p.Met1Thr)

Genes: PLEKHG5 (pleckstrin homology and RhoGEF domain containing G5; minus strand), LOC126805598 (MED14-independent group 3 enhancer GRCh37_chr1:6536823-6538022; plus strand). Cytogenetic location: 1p36.31.
Variant type: single nucleotide variant.
Coding change: c.2T>C on transcript NM_020631.6 (MANE Select); coding-DNA position 2, T replaced by C.
Protein change: p.Met1Thr; changes the start codon (methionine 1).
Molecular consequence: missense variant, initiator codon variant.
Genome position (GRCh38, 1-based): chr1:6,477,570, A>G on the plus strand (T>C on the coding strand, the complement: PLEKHG5 is on the minus strand). VCF-style: chr1-6477570-A-G. GRCh37 (hg19) VCF-style: chr1-6537630-A-G.
Other names: c.113T>C, p.Met38Thr (NM_001042663.3, NM_001265592.2); c.2T>C, p.Met1Thr (NM_001042664.2, NM_001042665.2, NM_001265594.3 and 1 more transcripts); c.209T>C, p.Met70Thr (NM_001265593.2); short protein forms M1T, M38T, M70T.
Identifiers: ClinVar variation 2134349 (VCV002134349.5), dbSNP rs2523250762, ClinGen allele CA338142096.
Genomic context (GRCh38, chr1:6,477,570, plus strand): 5'-GGCTCCCGCCTGTGCTCACCTTGTGGGGGAAGGTCGAAGCGGACATGCCCATCATAATGC[A>G]TGGTGCTGTGGAACTTGCTGTCACAGGCCTCGCAGAGGTTGAGGGGCCCCCGGCGGTGCA-3'
Protein context (NP_065682.2, residues 1-11): [Met1Thr]HYDGHVRFDL

ClinVar aggregate classification (germline): Uncertain significance (1 of 4 stars; one submission).

Conditions:
Charcot-Marie-Tooth disease recessive intermediate C. Also called: CHARCOT-MARIE-TOOTH NEUROPATHY, RECESSIVE INTERMEDIATE C. Identifiers: Orphanet 369867, MedGen C3809309, MONDO:0014154, OMIM 615376.
Neuronopathy, distal hereditary motor, autosomal recessive 4. Also called: NEUROPATHY, DISTAL HEREDITARY MOTOR, AUTOSOMAL RECESSIVE 4; Autosomal recessive lower motor neuron disease with childhood onset. Identifiers: Orphanet 206580, MedGen C1970211, MONDO:0012608, OMIM 611067.

Submission:

Labcorp Genetics (formerly Invitae), Labcorp
Classification: Uncertain significance for Neuronopathy, distal hereditary motor, autosomal recessive 4; Charcot-Marie-Tooth disease recessive intermediate C. Last evaluated: 2022-05-05. Review status: criteria provided, single submitter. Criteria: Invitae Variant Classification Sherloc (09022015). Collection method: clinical testing. Allele origin: germline.
Comment: This variant is not present in population databases (gnomAD no frequency). This sequence change affects the initiator methionine of the PLEKHG5 mRNA. The next in-frame methionine is located at codon 95. In summary, the available evidence is currently insufficient to determine the role of this variant in disease. Therefore, it has been classified as a Variant of Uncertain Significance. Experimental studies and prediction algorithms are not available or were not evaluated, and the functional significance of this variant is currently unknown. This variant has not been reported in the literature in individuals affected with PLEKHG5-related conditions.